The following is an entry in ClinVar:

NM_001113491.2(SEPTIN9):c.710G>A (p.Arg237Gln)

Gene: SEPTIN9 (septin 9; plus strand). Cytogenetic location: 17q25.3.
Variant type: single nucleotide variant.
Coding change: c.710G>A on transcript NM_001113491.2 (MANE Select); coding-DNA position 710, G replaced by A.
Protein change: p.Arg237Gln; replaces arginine 237 with glutamine.
Molecular consequence: missense variant.
Genome position (GRCh38, 1-based): chr17:77,402,692, G>A. VCF-style: chr17-77402692-G-A. GRCh37 (hg19) VCF-style: chr17-75398774-G-A.
Other names: c.218G>A, p.Arg73Gln (NM_001113492.2, NM_001113494.1); c.689G>A, p.Arg230Gln (NM_001113493.2); c.653G>A, p.Arg218Gln (NM_001293695.2); c.656G>A, p.Arg219Gln (NM_006640.5); short protein forms R219Q, R237Q, R218Q, R230Q, R73Q.
Identifiers: ClinVar variation 325548 (VCV000325548.25), dbSNP rs200031107, ClinGen allele CA8793269.

ClinVar aggregate classification (germline): Conflicting classifications of pathogenicity. Review status: criteria provided, conflicting classifications (1 of 4 stars). 12 submissions from 12 submitters: Uncertain significance (1); Benign (3); Likely benign (5). 3 of the submissions do not count toward it. Last evaluated 2026-08-01.

Conditions:
Amyotrophic neuralgia (HNA). Also called: AMYOTROPHY, HEREDITARY NEURALGIC; Hereditary Brachial Plexus Neuropathy; Neuritis with Brachial Predilection; AMYOTROPHY, HEREDITARY NEURALGIC, WITH PREDILECTION FOR BRACHIAL PLEXUS. Identifiers: Orphanet 2901, MedGen C1834304, MONDO:0008076, OMIM 162100.
SEPTIN9-related disorder. Also called: SEPTIN9-related condition.
Inborn genetic diseases. Identifiers: MedGen C0950123, MeSH D030342.

Allele frequency attached by ClinVar (database versions not stated): 1000 Genomes Project 30x 0.00047; 1000 Genomes Project 0.00060; ESP Exome Variant Server 0.00083; ExAC 0.00084; gnomAD exomes 0.00095 and 0.00126; gnomAD 0.00098 and 0.00101; TOPMed 0.00105.
gnomAD v4.1: 1,980 of 1,587,086 alleles (0.12%); highest among the groups gnomAD compares: Middle Eastern, 0.59%; 2 homozygotes.

Submissions (12):

CeGaT Center for Human Genetics Tuebingen
Classification: Likely benign. Last evaluated: 2026-08-01. Review status: criteria provided, single submitter. Criteria: CeGaT Center For Human Genetics Tuebingen Variant Classification Criteria Version 2. Collection method: clinical testing. Allele origin: germline. Affected: yes. Observed: 1 variant allele.
Comment: SEPTIN9: BP4, BS1

Labcorp Genetics (formerly Invitae), Labcorp
Classification: Likely benign. Last evaluated: 2026-02-01. Review status: criteria provided, single submitter. Criteria: Invitae Variant Classification Sherloc (09022015). Collection method: clinical testing. Allele origin: germline.

Ambry Genetics
Classification: Uncertain significance for Inborn genetic diseases. Last evaluated: 2025-04-24. Review status: criteria provided, single submitter. Criteria: Ambry Variant Classification Scheme 2023. Collection method: clinical testing. Allele origin: germline.

Blueprint Genetics
Classification: Likely benign. Last evaluated: 2024-11-26. Review status: criteria provided, single submitter. Criteria: ACMG Guidelines, 2015. Collection method: clinical testing. Allele origin: germline.

Genome-Nilou Lab
Classification: Benign for Amyotrophic neuralgia. Last evaluated: 2021-12-05. Review status: criteria provided, single submitter. Criteria: ACMG Guidelines, 2015. Collection method: clinical testing. Allele origin: germline. Affected: no.

Athena Diagnostics
Classification: Likely benign. Last evaluated: 2020-04-06. Review status: criteria provided, single submitter. Criteria: Athena Diagnostics Criteria. Collection method: clinical testing. Allele origin: unknown.

GeneDx
Classification: Benign. Last evaluated: 2019-04-10. Review status: criteria provided, single submitter. Criteria: GeneDx Variant Classification Process June 2021. Collection method: clinical testing. Allele origin: germline. Affected: yes.

Illumina Laboratory Services, Illumina
Classification: Benign for Amyotrophy, hereditary neuralgic. Last evaluated: 2018-01-13. Review status: criteria provided, single submitter. Criteria: ICSL Variant Classification Criteria 13 December 2019. Collection method: clinical testing. Allele origin: germline.
Comment: This variant was observed in the ICSL laboratory as part of a predisposition screen in an ostensibly healthy population. It had not been previously curated by ICSL or reported in the Human Gene Mutation Database (HGMD: prior to June 1st, 2018), and was therefore a candidate for classification through an automated scoring system. Utilizing variant allele frequency, disease prevalence and penetrance estimates, and inheritance mode, an automated score was calculated to assess if this variant is too frequent to cause the disease. Based on the score and internal cut-off values, a variant classified as benign is not then subjected to further curation. The score for this variant resulted in a classification of benign for this disease.

Breakthrough Genomics
Classification: Likely benign. Review status: criteria provided, single submitter. Criteria: ACMG Guidelines, 2015. Collection method: not provided. Allele origin: germline. Inheritance: Autosomal dominant inheritance. Affected: yes.

PreventionGenetics, part of Exact Sciences
Classification: Likely benign for SEPTIN9-related condition. Last evaluated: 2020-06-08. Review status: no assertion criteria provided. Collection method: clinical testing. Allele origin: germline. Not counted in ClinVar's aggregate classification.
Comment: This variant is classified as likely benign based on ACMG/AMP sequence variant interpretation guidelines (Richards et al. 2015 PMID: 25741868, with internal and published modifications).

Clinical Genetics DNA and cytogenetics Diagnostics Lab, Erasmus MC, Erasmus Medical Center
Classification: Likely benign. Review status: no assertion criteria provided. Collection method: clinical testing. Allele origin: germline. Affected: yes. Study: VKGL Data-share Consensus. Not counted in ClinVar's aggregate classification.

Genome Diagnostics Laboratory, University Medical Center Utrecht
Classification: Benign. Review status: no assertion criteria provided. Collection method: clinical testing. Allele origin: germline. Affected: yes. Study: VKGL Data-share Consensus. Not counted in ClinVar's aggregate classification.